The following is an entry in ClinVar:

NM_000632.4(ITGAM):c.1658A>G (p.Tyr553Cys)

Gene: ITGAM (integrin subunit alpha M; plus strand). Cytogenetic location: 16p11.2.
Variant type: single nucleotide variant.
Coding change: c.1658A>G on transcript NM_000632.4 (MANE Select); coding-DNA position 1658, A replaced by G.
Protein change: p.Tyr553Cys; replaces tyrosine 553 with cysteine.
Molecular consequence: missense variant.
Genome position (GRCh38, 1-based): chr16:31,297,905, A>G. VCF-style: chr16-31297905-A-G. GRCh37 (hg19) VCF-style: chr16-31309226-A-G.
Other names: c.1661A>G, p.Tyr554Cys (NM_001145808.2); short protein forms Y554C, Y553C.
Identifiers: ClinVar variation 3703629 (VCV003703629.2).

ClinVar aggregate classification (germline): Uncertain significance (1 of 4 stars; one submission).

gnomAD v4.1: 4 of 1,613,746 alleles (0.00025%); highest among the groups gnomAD compares: Non-Finnish European, 0.00034%; no homozygotes.

Submission:

Labcorp Genetics (formerly Invitae), Labcorp
Classification: Uncertain significance. Last evaluated: 2024-08-27. Review status: criteria provided, single submitter. Criteria: Invitae Variant Classification Sherloc (09022015). Collection method: clinical testing. Allele origin: germline.
Comment: This sequence change replaces tyrosine, which is neutral and polar, with cysteine, which is neutral and slightly polar, at codon 553 of the ITGAM protein (p.Tyr553Cys). This variant is present in population databases (no rsID available, gnomAD 0.0009%). This variant has not been reported in the literature in individuals affected with ITGAM-related conditions. An algorithm developed to predict the effect of missense changes on protein structure and function (PolyPhen-2) suggests that this variant is likely to be disruptive. In summary, the available evidence is currently insufficient to determine the role of this variant in disease. Therefore, it has been classified as a Variant of Uncertain Significance.